The following is an entry in ClinVar:

NM_015001.3(SPEN):c.8532C>G (p.Asp2844Glu)

Gene: SPEN (spen family transcriptional repressor; plus strand). Cytogenetic location: 1p36.13.
Variant type: single nucleotide variant.
Coding change: c.8532C>G on transcript NM_015001.3 (MANE Select); coding-DNA position 8532, C replaced by G.
Protein change: p.Asp2844Glu; replaces aspartic acid 2844 with glutamic acid.
Molecular consequence: missense variant.
Genome position (GRCh38, 1-based): chr1:15,934,772, C>G. VCF-style: chr1-15934772-C-G. GRCh37 (hg19) VCF-style: chr1-16261267-C-G.
Other names: short protein forms D2844E.
Identifiers: ClinVar variation 1706121 (VCV001706121.2), dbSNP rs2071258113, ClinGen allele CA338650575.

ClinVar aggregate classification (germline): Uncertain significance (1 of 4 stars; one submission).

Allele frequency attached by ClinVar (database versions not stated): TOPMed below 0.00001.
gnomAD v4.1: 1 of 1,614,168 alleles (0.000062%); highest among the groups gnomAD compares: Admixed American, 0.0017%; no homozygotes.

Submission:

GeneDx
Classification: Uncertain significance. Last evaluated: 2022-03-16. Review status: criteria provided, single submitter. Criteria: GeneDx Variant Classification Process June 2021. Collection method: clinical testing. Allele origin: germline. Affected: yes.
Comment: Has not been previously published as pathogenic or benign to our knowledge; Not observed at significant frequency in large population cohorts (gnomAD); In silico analysis supports that this missense variant does not alter protein structure/function